The following is an entry in ClinVar:

NM_018089.3(ANKZF1):c.71C>T (p.Pro24Leu)

Gene: ANKZF1 (ankyrin repeat and zinc finger peptidyl tRNA hydrolase 1; plus strand). Cytogenetic location: 2q35.
Variant type: single nucleotide variant.
Coding change: c.71C>T on transcript NM_018089.3 (MANE Select); coding-DNA position 71, C replaced by T.
Protein change: p.Pro24Leu; replaces proline 24 with leucine.
Molecular consequence: missense variant. On other transcripts: intron variant (1).
Genome position (GRCh38, 1-based): chr2:219,230,328, C>T. VCF-style: chr2-219230328-C-T. GRCh37 (hg19) VCF-style: chr2-220095050-C-T.
Other names: c.71C>T, p.Pro24Leu (NM_001042410.2); c.-267+428C>T (NM_001282792.2); short protein forms P24L.
Identifiers: ClinVar variation 1722306 (VCV001722306.5), dbSNP rs1264200140, ClinGen allele CA350670023.
Genomic context (GRCh38, chr2:219,230,328, plus strand): 5'-CTCCAGATGCAGCCCCGGCTCCTGCGTCGATCTCCCTGTTTGACCTCAGCGCGGATGCTC[C>T]GGTCTTTCAGGGCCTGAGCCTGGTGAGCCACGCGCCTGGGGAGGCTCTGGCCCGGGCTCC-3'
Protein context (NP_060559.2, residues 14-34): ISLFDLSADA[Pro24Leu]VFQGLSLVSH

ClinVar aggregate classification (germline): Uncertain significance (1 of 4 stars; one submission).

Allele frequency attached by ClinVar (database versions not stated): gnomAD 0.00001.
gnomAD v4.1: 4 of 1,613,970 alleles (0.00025%); highest among the groups gnomAD compares: African/African-American, 0.004%; no homozygotes.

Submission:

Labcorp Genetics (formerly Invitae), Labcorp
Classification: Uncertain significance. Last evaluated: 2022-09-08. Review status: criteria provided, single submitter. Criteria: Invitae Variant Classification Sherloc (09022015). Collection method: clinical testing. Allele origin: germline.
Comment: This sequence change replaces proline, which is neutral and non-polar, with leucine, which is neutral and non-polar, at codon 24 of the ANKZF1 protein (p.Pro24Leu). This variant is present in population databases (no rsID available, gnomAD 0.007%). This variant has not been reported in the literature in individuals affected with ANKZF1-related conditions. Algorithms developed to predict the effect of missense changes on protein structure and function output the following: SIFT: "Tolerated"; PolyPhen-2: "Benign"; Align-GVGD: "Class C0". The leucine amino acid residue is found in multiple mammalian species, which suggests that this missense change does not adversely affect protein function. In summary, the available evidence is currently insufficient to determine the role of this variant in disease. Therefore, it has been classified as a Variant of Uncertain Significance.